The following is an entry in ClinVar:

ClinVar aggregate classification (germline): Likely benign. Review status: criteria provided, multiple submitters, no conflicts (2 of 4 stars). 3 submissions from 3 submitters: Likely benign (2). 1 of the submissions does not count toward it. Last evaluated 2026-06-11.

Conditions:
SRCAP-related disorder. Also called: SRCAP-related condition.

Allele frequency attached by ClinVar (database versions not stated): ExAC 0.00006; gnomAD 0.00003; TOPMed 0.00008; ESP Exome Variant Server 0.00023.
gnomAD v4.1: 63 of 1,613,678 alleles (0.0039%); highest among the groups gnomAD compares: Admixed American, 0.013%; no homozygotes.

Submissions (3):

Women's Health and Genetics/Laboratory Corporation of America, LabCorp
Classification: Likely benign. Last evaluated: 2026-06-11. Review status: criteria provided, single submitter. Criteria: LabCorp Variant Classification Summary - May 2015. Collection method: clinical testing. Allele origin: germline.

Labcorp Genetics (formerly Invitae), Labcorp
Classification: Likely benign. Last evaluated: 2025-11-22. Review status: criteria provided, single submitter. Criteria: Invitae Variant Classification Sherloc (09022015). Collection method: clinical testing. Allele origin: germline.

PreventionGenetics, part of Exact Sciences
Classification: Likely benign for SRCAP-related condition. Last evaluated: 2019-04-01. Review status: no assertion criteria provided. Collection method: clinical testing. Allele origin: germline. Not counted in ClinVar's aggregate classification.
Comment: This variant is classified as likely benign based on ACMG/AMP sequence variant interpretation guidelines (Richards et al. 2015 PMID: 25741868, with internal and published modifications).

NM_006662.3(SRCAP):c.1455G>A (p.Ala485=)

Gene: SRCAP (Snf2 related CREBBP activator protein; plus strand). Cytogenetic location: 16p11.2.
Variant type: single nucleotide variant.
Coding change: c.1455G>A on transcript NM_006662.3 (MANE Select); coding-DNA position 1455, G replaced by A.
Protein change: p.Ala485=; no amino-acid change (alanine 485 retained).
Molecular consequence: synonymous variant.
Genome position (GRCh38, 1-based): chr16:30,711,707, G>A. VCF-style: chr16-30711707-G-A. GRCh37 (hg19) VCF-style: chr16-30723028-G-A.
Other names: c.1455G>A (NM_006662.2).
Identifiers: ClinVar variation 1945625 (VCV001945625.8), dbSNP rs374930012, ClinGen allele CA8010995.